The following is an entry in ClinVar:

NM_000273.3(GPR143):c.614T>C (p.Val205Ala)

Gene: GPR143 (G protein-coupled receptor 143; minus strand). Cytogenetic location: Xp22.2.
Variant type: single nucleotide variant.
Coding change: c.614T>C on transcript NM_000273.3 (MANE Select); coding-DNA position 614, T replaced by C.
Protein change: p.Val205Ala; replaces valine 205 with alanine.
Molecular consequence: missense variant.
Genome position (GRCh38, 1-based): chrX:9,746,088, A>G on the plus strand (T>C on the coding strand, the complement: GPR143 is on the minus strand). VCF-style: chrX-9746088-A-G. GRCh37 (hg19) VCF-style: chrX-9714128-A-G.
Other names: short protein forms V205A.
Identifiers: ClinVar variation 2973224 (VCV002973224.3), dbSNP rs2518628480, ClinGen allele CA411997299.

ClinVar aggregate classification (germline): Uncertain significance (1 of 4 stars; one submission).

Allele frequency attached by ClinVar (database versions not stated): gnomAD exomes below 0.00001.
gnomAD v4.1: 3 of 1,204,490 alleles (0.00025%); highest among the groups gnomAD compares: Non-Finnish European, 0.00034%; no homozygotes.

Submission:

Labcorp Genetics (formerly Invitae), Labcorp
Classification: Uncertain significance. Last evaluated: 2025-08-31. Review status: criteria provided, single submitter. Criteria: Invitae Variant Classification Sherloc (09022015). Collection method: clinical testing. Allele origin: germline.
Comment: This sequence change replaces valine, which is neutral and non-polar, with alanine, which is neutral and non-polar, at codon 205 of the GPR143 protein (p.Val205Ala). This variant is not present in population databases (gnomAD no frequency). This variant has not been reported in the literature in individuals affected with GPR143-related conditions. ClinVar contains an entry for this variant (Variation ID: 2973224). Invitae Evidence Modeling of protein sequence and biophysical properties (such as structural, functional, and spatial information, amino acid conservation, physicochemical variation, residue mobility, and thermodynamic stability) has been performed for this missense variant. However, the output from this modeling did not meet the statistical confidence thresholds required to predict the impact of this variant on GPR143 protein function. In summary, the available evidence is currently insufficient to determine the role of this variant in disease. Therefore, it has been classified as a Variant of Uncertain Significance.